The following is an entry in ClinVar:

ClinVar aggregate classification (germline): Uncertain significance (1 of 4 stars; one submission).

Submission:

Labcorp Genetics (formerly Invitae), Labcorp
Classification: Uncertain significance. Last evaluated: 2023-06-23. Review status: criteria provided, single submitter. Criteria: Invitae Variant Classification Sherloc (09022015). Collection method: clinical testing. Allele origin: germline.
Comment: This variant has not been reported in the literature in individuals affected with RPS20-related conditions. This variant is not present in population databases (gnomAD no frequency). This sequence change replaces threonine, which is neutral and polar, with serine, which is neutral and polar, at codon 6 of the RPS20 protein (p.Thr6Ser). In summary, the available evidence is currently insufficient to determine the role of this variant in disease. Therefore, it has been classified as a Variant of Uncertain Significance. An algorithm developed to predict the effect of missense changes on protein structure and function (PolyPhen-2) suggests that this variant is likely to be tolerated.

NM_001023.4(RPS20):c.16A>T (p.Thr6Ser)

Gene: RPS20 (ribosomal protein S20; minus strand). Cytogenetic location: 8q12.1.
Variant type: single nucleotide variant.
Coding change: c.16A>T on transcript NM_001023.4 (MANE Select); coding-DNA position 16, A replaced by T.
Protein change: p.Thr6Ser; replaces threonine 6 with serine.
Molecular consequence: missense variant.
Genome position (GRCh38, 1-based): chr8:56,074,147, T>A on the plus strand (A>T on the coding strand, the complement: RPS20 is on the minus strand). VCF-style: chr8-56074147-T-A. GRCh37 (hg19) VCF-style: chr8-56986706-T-A.
Other names: c.16A>T, p.Thr6Ser (NM_001146227.3); short protein forms T6S.
Identifiers: ClinVar variation 2726093 (VCV002726093.3), dbSNP rs761123618, ClinGen allele CA371284144.